The following is an entry in ClinVar:

ClinVar aggregate classification (germline): Likely pathogenic (3 of 4 stars; one submission).

Conditions:
Hereditary factor VIII deficiency disease (HEMA). Also called: HEMOPHILIA, CLASSIC; AUTOSOMAL HEMOPHILIA A; Hemophilia A; Hemophilia A, congenital; HEM A; Factor 8 deficiency, congenital. Identifiers: Orphanet 98878, MedGen C0019069, MONDO:0010602, OMIM 306700.

Submission:

ClinGen Coagulation Factor Deficiency Variant Curation Expert Panel, Clingen
Classification: Likely pathogenic for Hereditary factor VIII deficiency disease. Last evaluated: 2024-05-09. Review status: reviewed by expert panel. Criteria: ClinGen CoagFactor ACMG Specifications F8 V1.0.0. Collection method: curation. Allele origin: germline. Inheritance: X-linked inheritance.
Comment: The c.1244C>A (p.Ala415Asp) variant is absent from males in population databases (gnomAD v2.1.1/gnomAD v3/gnomAD v4). The missense variant has a REVEL score of 0.922 (PP3, >0.6). This variant has been reported in three probands with mild and moderate hemophilia A, meeting phenotypic criteria for F8 (PP4, PS4_Moderate, PMID: 16786531). Ala415Val is a pathogenic variant at the same residue (PM5). In summary, this variant meets criteria to be classified as likely pathogenic. ACMG/AMP criteria applied, as specified by the Coagulation Factor Deficiency Variant Curation Expert Panel for F8/F9: PM5, PS4_Moderate, PP4_Moderate, PP3, PM2_Supporting.

NM_000132.4(F8):c.1244C>A (p.Ala415Asp)

Gene: F8 (coagulation factor VIII; minus strand). Cytogenetic location: Xq28.
Variant type: single nucleotide variant.
Coding change: c.1244C>A on transcript NM_000132.4 (MANE Select); coding-DNA position 1244, C replaced by A.
Protein change: p.Ala415Asp; replaces alanine 415 with aspartic acid.
Molecular consequence: missense variant.
Genome position (GRCh38, 1-based): chrX:154,966,453, G>T on the plus strand (C>A on the coding strand, the complement: F8 is on the minus strand). VCF-style: chrX-154966453-G-T. GRCh37 (hg19) VCF-style: chrX-154194728-G-T.
Other names: NM_000132.3:c.1244C>A; short protein forms A415D.
Identifiers: ClinVar variation 3242380 (VCV003242380.1), dbSNP rs2523951122.
Genomic context (GRCh38, chrX:154,966,453, plus strand): 5'-AAGAGAGAGTACCAATAGTCAAAAAGTGCTTACCTGTCATCGGGGGCGAGGACTAAGGGA[G>T]CATAGTCCCAGTCCTCCTCTTCAGCAGCAATGTAATGTACCCAAGTTTTAGGATGCTTCT-3'
Protein context (NP_000123.1, residues 405-425): IAAEEEDWDY[Ala415Asp]PLVLAPDDRS